The following is an entry in ClinVar:

ClinVar aggregate classification (germline): Uncertain significance (1 of 4 stars; one submission).

Submission:

GeneDx
Classification: Uncertain significance. Last evaluated: 2025-04-04. Review status: criteria provided, single submitter. Criteria: GeneDx Variant Classification Process June 2021. Collection method: clinical testing. Allele origin: germline. Affected: yes.
Comment: Not observed at significant frequency in large population cohorts (gnomAD); In silico analysis indicates that this missense variant does not alter protein structure/function; This variant is associated with the following publications: (PMID: 19029688)

NM_000038.6(APC):c.2482A>G (p.Thr828Ala)

Gene: APC (APC regulator of Wnt signaling pathway; plus strand). Cytogenetic location: 5q22.2.
Variant type: single nucleotide variant.
Coding change: c.2482A>G on transcript NM_000038.6 (MANE Select); coding-DNA position 2482, A replaced by G.
Protein change: p.Thr828Ala; replaces threonine 828 with alanine.
Molecular consequence: missense variant. On other transcripts: non-coding transcript variant (2).
Genome position (GRCh38, 1-based): chr5:112,838,076, A>G. VCF-style: chr5-112838076-A-G. GRCh37 (hg19) VCF-style: chr5-112173773-A-G.
Other names: c.2482A>G, p.Thr828Ala (NM_001127510.3, NM_001354895.2, NM_001407450.1); c.2428A>G, p.Thr810Ala (NM_001127511.3); c.2536A>G, p.Thr846Ala (NM_001354896.2, NM_001407447.1, NM_001407448.1 and 1 more transcripts); c.2512A>G, p.Thr838Ala (NM_001354897.2); c.2407A>G, p.Thr803Ala (NM_001354898.2); c.2398A>G, p.Thr800Ala (NM_001354899.2); c.2359A>G, p.Thr787Ala (NM_001354900.2); c.2305A>G, p.Thr769Ala (NM_001354901.2, NM_001407453.1); and 11 more; short protein forms T444A, T545A, T668A, T699A, T702A, T727A, T737A, T745A.
Identifiers: ClinVar variation 4278560 (VCV004278560.1).
Genomic context (GRCh38, chr5:112,838,076, plus strand): 5'-GATAATAGGTCAGACAATTTTAATACTGGCAACATGACTGTCCTTTCACCATATTTGAAT[A>G]CTACAGTGTTACCCAGCTCCTCTTCATCAAGAGGAAGCTTAGATAGTTCTCGTTCTGAAA-3'
Protein context (NP_000029.2, residues 818-838): NMTVLSPYLN[Thr828Ala]TVLPSSSSSR